The following is an entry in ClinVar:

NM_001283009.2(RTEL1):c.2371A>T (p.Ser791Cys)

Genes: RTEL1 (regulator of telomere elongation helicase 1; plus strand), RTEL1-TNFRSF6B (RTEL1-TNFRSF6B readthrough (NMD candidate); plus strand). Cytogenetic location: 20q13.33.
Variant type: single nucleotide variant.
Coding change: c.2371A>T on transcript NM_001283009.2 (MANE Select); coding-DNA position 2371, A replaced by T.
Protein change: p.Ser791Cys; replaces serine 791 with cysteine.
Molecular consequence: missense variant. On other transcripts: non-coding transcript variant (1).
Genome position (GRCh38, 1-based): chr20:63,690,399, A>T. VCF-style: chr20-63690399-A-T. GRCh37 (hg19) VCF-style: chr20-62321752-A-T.
Other names: c.1702A>T, p.Ser568Cys (NM_001283010.1); c.2371A>T, p.Ser791Cys (NM_016434.4); c.2443A>T, p.Ser815Cys (NM_032957.5); short protein forms S791C, S568C, S815C.
Identifiers: ClinVar variation 2950473 (VCV002950473.3), dbSNP rs2517141050, ClinGen allele CA409681124.

ClinVar aggregate classification (germline): Uncertain significance (1 of 4 stars; one submission).

Conditions:
Dyskeratosis congenita, autosomal recessive 5 (DKCB5). Identifiers: MedGen C3554656, MONDO:0014076, OMIM 615190.
Pulmonary fibrosis and/or bone marrow failure, Telomere-related, 3. Also called: PULMONARY FIBROSIS AND/OR BONE MARROW FAILURE SYNDROME, TELOMERE-RELATED, 3. Identifiers: Orphanet 2032, MedGen C4225346, MONDO:0014613, OMIM 616373.

Submission:

Labcorp Genetics (formerly Invitae), Labcorp
Classification: Uncertain significance for Dyskeratosis congenita, autosomal recessive 5; Pulmonary fibrosis and/or bone marrow failure, Telomere-related, 3. Last evaluated: 2023-07-30. Review status: criteria provided, single submitter. Criteria: Invitae Variant Classification Sherloc (09022015). Collection method: clinical testing. Allele origin: germline.
Comment: This variant has not been reported in the literature in individuals affected with RTEL1-related conditions. In summary, the available evidence is currently insufficient to determine the role of this variant in disease. Therefore, it has been classified as a Variant of Uncertain Significance. Algorithms developed to predict the effect of missense changes on protein structure and function output the following: SIFT: "Not Available"; PolyPhen-2: "Benign"; Align-GVGD: "Not Available". The cysteine amino acid residue is found in multiple mammalian species, which suggests that this missense change does not adversely affect protein function. This variant is not present in population databases (gnomAD no frequency). This sequence change replaces serine, which is neutral and polar, with cysteine, which is neutral and slightly polar, at codon 791 of the RTEL1 protein (p.Ser791Cys).